The following is an entry in ClinVar:

ClinVar aggregate classification (germline): Uncertain significance. Review status: criteria provided, multiple submitters, no conflicts (2 of 4 stars). 2 submissions from 2 submitters: Uncertain significance (2). Last evaluated 2022-01-31.

Conditions:
Familial hemophagocytic lymphohistiocytosis 3 (FHL3). Also called: UNC13D-Related Familial Hemophagocytic Lymphohistiocytosis (UNC13D-fHLH). Identifiers: Orphanet 540, MedGen C1837174, MONDO:0012146, OMIM 608898.

Allele frequency attached by ClinVar (database versions not stated): gnomAD exomes 0.00001; TOPMed 0.00001.
gnomAD v4.1: 7 of 1,613,770 alleles (0.00043%); highest among the groups gnomAD compares: Non-Finnish European, 0.00059%; no homozygotes.

Submissions (2):

Labcorp Genetics (formerly Invitae), Labcorp
Classification: Uncertain significance for Familial hemophagocytic lymphohistiocytosis 3. Last evaluated: 2022-01-31. Review status: criteria provided, single submitter. Criteria: Invitae Variant Classification Sherloc (09022015). Collection method: clinical testing. Allele origin: germline.
Comment: This sequence change replaces alanine, which is neutral and non-polar, with serine, which is neutral and polar, at codon 679 of the UNC13D protein (p.Ala679Ser). This variant is not present in population databases (gnomAD no frequency). This variant has not been reported in the literature in individuals affected with UNC13D-related conditions. Algorithms developed to predict the effect of missense changes on protein structure and function are either unavailable or do not agree on the potential impact of this missense change (SIFT: "Not Available"; PolyPhen-2: "Benign"; Align-GVGD: "Not Available"). In summary, the available evidence is currently insufficient to determine the role of this variant in disease. Therefore, it has been classified as a Variant of Uncertain Significance.

Genetic Services Laboratory, University of Chicago
Classification: Uncertain significance. Last evaluated: 2021-09-27. Review status: criteria provided, single submitter. Criteria: ACMG Guidelines, 2015. Collection method: clinical testing. Allele origin: germline. Affected: no.

NM_199242.3(UNC13D):c.2035G>T (p.Ala679Ser)

Gene: UNC13D (unc-13 homolog D; minus strand). Cytogenetic location: 17q25.1.
Variant type: single nucleotide variant.
Coding change: c.2035G>T on transcript NM_199242.3 (MANE Select); coding-DNA position 2035, G replaced by T.
Protein change: p.Ala679Ser; replaces alanine 679 with serine.
Molecular consequence: missense variant.
Genome position (GRCh38, 1-based): chr17:75,834,674, C>A on the plus strand (G>T on the coding strand, the complement: UNC13D is on the minus strand). VCF-style: chr17-75834674-C-A. GRCh37 (hg19) VCF-style: chr17-73830755-C-A.
Other names: short protein forms A679S.
Identifiers: ClinVar variation 1338108 (VCV001338108.5), dbSNP rs1321621237, ClinGen allele CA401090350.